The following is an entry in ClinVar:

ClinVar aggregate classification (germline): Conflicting classifications of pathogenicity. Review status: criteria provided, conflicting classifications (1 of 4 stars). 6 submissions from 6 submitters: Uncertain significance (5); Likely benign (1). Last evaluated 2026-09-10.

Conditions:
Cardiovascular phenotype. Identifiers: MedGen CN230736.
CACNA1C-related disorder. Also called: CACNA1C-related condition; CACNA1C-related disorders. Identifiers: MedGen CN381092, MONDO:0700321.
Long QT syndrome (LQTS). Identifiers: MedGen C0023976, MeSH D008133, MONDO:0002442. Disease mechanism: loss of function. Inheritance: Various modes of inheritance.
Timothy syndrome (TS). Also called: LONG QT SYNDROME WITH SYNDACTYLY. Identifiers: Orphanet 65283, MedGen C1832916, MeSH C536962, MONDO:0010979, OMIM 601005.

Allele frequency attached by ClinVar (database versions not stated): gnomAD exomes 0.00001 and 0.00002; gnomAD 0.00002; TOPMed 0.00002; ExAC 0.00003; ESP Exome Variant Server 0.00008.
gnomAD v4.1: 20 of 1,613,834 alleles (0.0012%); highest among the groups gnomAD compares: South Asian, 0.0044%; no homozygotes.

Submissions (6):

PreventionGenetics, part of Exact Sciences
Classification: Uncertain significance for CACNA1C-related condition. Last evaluated: 2026-09-10. Review status: criteria provided, single submitter. Criteria: ACMG Guidelines, 2015. Collection method: clinical testing. Allele origin: germline.
Comment: The CACNA1C c.5065G>A variant is predicted to result in the amino acid substitution p.Ala1689Thr. This variant has been reported in an individual with aborted sudden death; however, functional studies demonstrated no major alterations in channel function (Blancard et al. 2018. PubMed ID: 30279520). This variant is reported in 0.0098% of alleles in individuals of South Asian descent in gnomAD. At this time, the clinical significance of this variant is uncertain due to the absence of conclusive functional and genetic evidence.

Labcorp Genetics (formerly Invitae), Labcorp
Classification: Uncertain significance for Long QT syndrome. Last evaluated: 2025-10-30. Review status: criteria provided, single submitter. Criteria: Invitae Variant Classification Sherloc (09022015). Collection method: clinical testing. Allele origin: germline.
Comment: This sequence change replaces alanine, which is neutral and non-polar, with threonine, which is neutral and polar, at codon 1689 of the CACNA1C protein (p.Ala1689Thr). This variant is present in population databases (rs368700869, gnomAD 0.01%). This missense change has been observed in individual(s) with aborted sudden death (PMID: 30279520). ClinVar contains an entry for this variant (Variation ID: 190677). Invitae Evidence Modeling of protein sequence and biophysical properties (such as structural, functional, and spatial information, amino acid conservation, physicochemical variation, residue mobility, and thermodynamic stability) has been performed for this missense variant. However, the output from this modeling did not meet the statistical confidence thresholds required to predict the impact of this variant on CACNA1C protein function. Experimental studies have shown that this missense change does not substantially affect CACNA1C function (PMID: 30279520). In summary, the available evidence is currently insufficient to determine the role of this variant in disease. Therefore, it has been classified as a Variant of Uncertain Significance.

CeGaT Center for Human Genetics Tuebingen
Classification: Uncertain significance. Last evaluated: 2025-08-01. Review status: criteria provided, single submitter. Criteria: CeGaT Center For Human Genetics Tuebingen Variant Classification Criteria Version 2. Collection method: clinical testing. Allele origin: germline. Affected: yes. Observed: 2 variant alleles.

Ambry Genetics
Classification: Likely benign for Cardiovascular phenotype. Last evaluated: 2024-08-27. Review status: criteria provided, single submitter. Criteria: Ambry Variant Classification Scheme 2023. Collection method: clinical testing. Allele origin: germline.

MVZ Martinsried, Medicover Genetics
Classification: Uncertain significance for Timothy syndrome. Last evaluated: 2019-04-17. Review status: criteria provided, single submitter. Criteria: ACMG Guidelines, 2015. Collection method: clinical testing. Allele origin: unknown. Affected: yes.

GeneDx
Classification: Uncertain significance. Last evaluated: 2013-09-10. Review status: criteria provided, single submitter. Criteria: GeneDx Variant Classification (06012015). Collection method: clinical testing. Allele origin: germline. Affected: yes.
Comment: p.Ala1689Thr (GCT>ACT): c.5065 G>A in exon 41 of the CACNA1C gene (NM_000719.6). The Ala1689Thr variant in the CACNA1C gene has not been reported as a disease-causing mutation or as a benign polymorphism to our knowledge. Ala1689Thr results in a non-conservative amino acid substitution of a non-polar Alanine residue with a polar Threonine residue at a position that is conserved across species. The Ala1689Thr variant was not observed with any significant frequency in approximately 6,500 individuals of European and African American ancestry in the NHLBI Exome Sequencing Project. However, in silico analysis was inconsistent with regard to the effect this variant may have on the protein structure/function. Furthermore, no mutations affecting nearby residues have been reported in association with LQTS, indicating this region of the protein may be tolerant of change.With the clinical and molecular information available at this time, we cannot definitively determine if Ala1689Thr is a disease-causing mutation or a rare benign variant. The variant is found in LQT panel(s).

Literature cited by the submitters: PubMed 30279520 (cited by Labcorp Genetics (formerly Invitae), Labcorp and Ambry Genetics).

NM_000719.7(CACNA1C):c.5065G>A (p.Ala1689Thr)

Genes: CACNA1C (calcium voltage-gated channel subunit alpha1 C; plus strand), CACNA1C-AS1 (CACNA1C antisense RNA 1; minus strand). Cytogenetic location: 12p13.33.
Variant type: single nucleotide variant.
Coding change: c.5065G>A on transcript NM_000719.7 (MANE Select); coding-DNA position 5065, G replaced by A.
Protein change: p.Ala1689Thr; replaces alanine 1689 with threonine.
Molecular consequence: missense variant. On other transcripts: non-coding transcript variant (1).
Genome position (GRCh38, 1-based): chr12:2,677,841, G>A. VCF-style: chr12-2677841-G-A. GRCh37 (hg19) VCF-style: chr12-2787007-G-A.
Other names: p.A1689T:GCT>ACT; c.5209G>A, p.Ala1737Thr (NM_001129827.2, NM_199460.4); c.5188G>A, p.Ala1730Thr (NM_001129829.2); c.5065G>A, p.Ala1689Thr (NM_001129830.3, NM_001129840.2, NM_001129841.2 and 4 more transcripts); c.5149G>A, p.Ala1717Thr (NM_001129831.2); c.5125G>A, p.Ala1709Thr (NM_001129832.2); c.5122G>A, p.Ala1708Thr (NM_001129833.2, NM_001129834.2, NM_001129835.2); c.5116G>A, p.Ala1706Thr (NM_001129836.2); and 4 more; short protein forms A1689T, A1737T, A1709T, A1730T, A1678T, A1686T, A1706T, A1695T.
Identifiers: ClinVar variation 190677 (VCV000190677.39), dbSNP rs368700869, ClinGen allele CA301559.